The following is an entry in ClinVar:

ClinVar aggregate classification (germline): Uncertain significance (1 of 4 stars; one submission).

Conditions:
Cardiovascular phenotype. Identifiers: MedGen CN230736.

Submission:

Ambry Genetics
Classification: Uncertain significance for Cardiovascular phenotype. Last evaluated: 2022-02-10. Review status: criteria provided, single submitter. Criteria: Ambry Variant Classification Scheme 2023. Collection method: clinical testing. Allele origin: germline.
Comment: The p.E2041K variant (also known as c.6121G>A), located in coding exon 25 of the AKAP9 gene, results from a G to A substitution at nucleotide position 6121. The glutamic acid at codon 2041 is replaced by lysine, an amino acid with similar properties. This amino acid position is conserved. In addition, this alteration is predicted to be tolerated by in silico analysis. Since supporting evidence is limited at this time, the clinical significance of this alteration remains unclear.

NM_005751.5(AKAP9):c.6121G>A (p.Glu2041Lys)

Gene: AKAP9 (A-kinase anchoring protein 9; plus strand). Cytogenetic location: 7q21.2.
Variant type: single nucleotide variant.
Coding change: c.6121G>A on transcript NM_005751.5 (MANE Select); coding-DNA position 6121, G replaced by A.
Protein change: p.Glu2041Lys; replaces glutamic acid 2041 with lysine.
Molecular consequence: missense variant.
Genome position (GRCh38, 1-based): chr7:92,065,374, G>A. VCF-style: chr7-92065374-G-A. GRCh37 (hg19) VCF-style: chr7-91694688-G-A.
Other names: c.766G>A, p.Glu256Lys (NM_001379277.1); c.6121G>A, p.Glu2041Lys (NM_147185.3); short protein forms E2041K, E256K.
Identifiers: ClinVar variation 1751737 (VCV001751737.2), dbSNP rs2535204019, ClinGen allele CA368132631.